The following is an entry in ClinVar:

ClinVar aggregate classification (germline): Likely benign (1 of 4 stars; one submission).

Submission:

CeGaT Center for Human Genetics Tuebingen
Classification: Likely benign. Last evaluated: 2024-07-01. Review status: criteria provided, single submitter. Criteria: CeGaT Center For Human Genetics Tuebingen Variant Classification Criteria Version 2. Collection method: clinical testing. Allele origin: germline. Affected: yes. Observed: 1 variant allele.
Comment: CLDN9: BP4, BP7

NM_020982.4(CLDN9):c.405T>C (p.Pro135=)

Gene: CLDN9 (claudin 9; plus strand). Cytogenetic location: 16p13.3.
Variant type: single nucleotide variant.
Coding change: c.405T>C on transcript NM_020982.4 (MANE Select); coding-DNA position 405, T replaced by C.
Protein change: p.Pro135=; no amino-acid change (proline 135 retained).
Molecular consequence: synonymous variant.
Genome position (GRCh38, 1-based): chr16:3,013,767, T>C. VCF-style: chr16-3013767-T-C. GRCh37 (hg19) VCF-style: chr16-3063768-T-C.
Identifiers: ClinVar variation 3257202 (VCV003257202.17).